The following is an entry in ClinVar:

ClinVar aggregate classification (germline): Uncertain significance (1 of 4 stars; one submission).

Submission:

Ambry Genetics
Classification: Uncertain significance. Last evaluated: 2025-05-06. Review status: criteria provided, single submitter. Criteria: Ambry Variant Classification Scheme 2023. Collection method: clinical testing. Allele origin: germline.
Comment: The p.D482G variant (also known as c.1445A>G), located in coding exon 13 of the GEN1 gene, results from an A to G substitution at nucleotide position 1445. The aspartic acid at codon 482 is replaced by glycine, an amino acid with similar properties. This amino acid position is conserved. In addition, this alteration is predicted to be tolerated by in silico analysis. Based on the available evidence, the clinical significance of this variant remains unclear.

NM_001130009.3(GEN1):c.1445A>G (p.Asp482Gly)

Gene: GEN1 (GEN1 Holliday junction 5' flap endonuclease; plus strand). Cytogenetic location: 2p24.2.
Variant type: single nucleotide variant.
Coding change: c.1445A>G on transcript NM_001130009.3 (MANE Select); coding-DNA position 1445, A replaced by G.
Protein change: p.Asp482Gly; replaces aspartic acid 482 with glycine.
Molecular consequence: missense variant.
Genome position (GRCh38, 1-based): chr2:17,780,657, A>G. VCF-style: chr2-17780657-A-G. GRCh37 (hg19) VCF-style: chr2-17961924-A-G.
Other names: c.1445A>G, p.Asp482Gly (NM_182625.5); short protein forms D482G.
Identifiers: ClinVar variation 4029276 (VCV004029276.1).